The following is an entry in ClinVar:

NM_006312.6(NCOR2):c.843C>T (p.Ile281=)

Gene: NCOR2 (nuclear receptor corepressor 2; minus strand). Cytogenetic location: 12q24.31.
Variant type: single nucleotide variant.
Coding change: c.843C>T on transcript NM_006312.6 (MANE Select); coding-DNA position 843, C replaced by T.
Protein change: p.Ile281=; no amino-acid change (isoleucine 281 retained).
Molecular consequence: synonymous variant.
Genome position (GRCh38, 1-based): chr12:124,437,969, G>A on the plus strand (C>T on the coding strand, the complement: NCOR2 is on the minus strand). VCF-style: chr12-124437969-G-A. GRCh37 (hg19) VCF-style: chr12-124922515-G-A.
Other names: c.843C>T, p.Ile281= (NM_001077261.4, NM_001206654.2); c.843C>T (NM_006312.5).
Identifiers: ClinVar variation 2643563 (VCV002643563.25), dbSNP rs374551612, ClinGen allele CA6869724.

ClinVar aggregate classification (germline): Likely benign. Review status: criteria provided, single submitter (1 of 4 stars). 2 submissions from 2 submitters: Likely benign (1). 1 of the submissions does not count toward it. Last evaluated 2022-04-01.

Conditions:
NCOR2-related disorder. Also called: NCOR2-related condition.

Allele frequency attached by ClinVar (database versions not stated): ESP Exome Variant Server 0.00096; TOPMed 0.00106; gnomAD 0.00125; ExAC 0.00154; gnomAD exomes 0.00188.
gnomAD v4.1: 2,908 of 1,612,350 alleles (0.18%); highest among the groups gnomAD compares: Non-Finnish European, 0.22%; 2 homozygotes.

Submissions (2):

CeGaT Center for Human Genetics Tuebingen
Classification: Likely benign. Last evaluated: 2022-04-01. Review status: criteria provided, single submitter. Criteria: CeGaT Center For Human Genetics Tuebingen Variant Classification Criteria Version 2. Collection method: clinical testing. Allele origin: germline. Affected: yes. Observed: 1 variant allele.
Comment: NCOR2: BP4, BP7

PreventionGenetics, part of Exact Sciences
Classification: Likely benign for NCOR2-related condition. Last evaluated: 2019-05-28. Review status: no assertion criteria provided. Collection method: clinical testing. Allele origin: germline. Not counted in ClinVar's aggregate classification.
Comment: This variant is classified as likely benign based on ACMG/AMP sequence variant interpretation guidelines (Richards et al. 2015 PMID: 25741868, with internal and published modifications).